The following is an entry in ClinVar:

NM_002641.4(PIGA):c.1293G>A (p.Leu431=)

Gene: PIGA (phosphatidylinositol glycan anchor biosynthesis class A; minus strand). Cytogenetic location: Xp22.2.
Variant type: single nucleotide variant.
Coding change: c.1293G>A on transcript NM_002641.4 (MANE Select); coding-DNA position 1293, G replaced by A.
Protein change: p.Leu431=; no amino-acid change (leucine 431 retained).
Molecular consequence: synonymous variant. On other transcripts: non-coding transcript variant (2).
Genome position (GRCh38, 1-based): chrX:15,321,668, C>T on the plus strand (G>A on the coding strand, the complement: PIGA is on the minus strand). VCF-style: chrX-15321668-C-T. GRCh37 (hg19) VCF-style: chrX-15339790-C-T.
Other names: c.591G>A, p.Leu197= (NM_020473.3).
Identifiers: ClinVar variation 2660049 (VCV002660049.27), dbSNP rs2519321746, ClinGen allele CA515464116.
Genomic context (GRCh38, chrX:15,321,668, plus strand): 5'-AATGATAGAATCTGGAGTCATCCATCTCAAGAAAATGAGGAAGAGGAAGTTGAAAACTGC[C>T]AACAAAGCAAAGATGTAGCCTGTTACTGGGCCGCAGTGAGAAATAAGTCTGTCCAGTCGT-3'
Protein context (NP_002632.1, residues 421-441): GPVTGYIFAL[Leu431=]AVFNFLFLIF

ClinVar aggregate classification (germline): Likely benign. Review status: criteria provided, multiple submitters, no conflicts (2 of 4 stars). 2 submissions from 2 submitters: Likely benign (2). Last evaluated 2024-05-31.

Conditions:
Multiple congenital anomalies-hypotonia-seizures syndrome 2 (MCAHS2). Also called: EPILEPTIC ENCEPHALOPATHY, EARLY INFANTILE, 20; GLYCOSYLPHOSPHATIDYLINOSITOL BIOSYNTHESIS DEFECT 4. Identifiers: Orphanet 300496, MedGen C3275508, MONDO:0010466, OMIM 300868.

Submissions (3):

Labcorp Genetics (formerly Invitae), Labcorp
Classification: Likely benign for Multiple congenital anomalies-hypotonia-seizures syndrome 2. Last evaluated: 2024-05-31. Review status: criteria provided, single submitter. Criteria: Invitae Variant Classification Sherloc (09022015). Collection method: clinical testing. Allele origin: germline.

CeGaT Center for Human Genetics Tuebingen
Classification: Likely benign. Last evaluated: 2022-06-01. Review status: criteria provided, single submitter. Criteria: CeGaT Center For Human Genetics Tuebingen Variant Classification Criteria Version 2. Collection method: clinical testing. Allele origin: germline. Affected: yes. Observed: 1 variant allele.
Comment: PIGA: PM2:Supporting, BP4, BP7

Dr. Peter K. Rogan Lab, Western University
No classification provided (evidence only). Condition: Thyroid cancer, nonmedullary, 1. Review status: no classification provided. Collection method: in vitro. Allele origin: not applicable. Functional consequence: retained intron. Not counted in ClinVar's aggregate classification.